The following is an entry in ClinVar:

NM_016204.4(GDF2):c.1258G>A (p.Gly420Ser)

Gene: GDF2 (growth differentiation factor 2; plus strand). Cytogenetic location: 10q11.22.
Variant type: single nucleotide variant.
Coding change: c.1258G>A on transcript NM_016204.4 (MANE Select); coding-DNA position 1258, G replaced by A.
Protein change: p.Gly420Ser; replaces glycine 420 with serine.
Molecular consequence: missense variant.
Genome position (GRCh38, 1-based): chr10:47,325,752, G>A. VCF-style: chr10-47325752-G-A. GRCh37 (hg19) VCF-style: chr10-48413610-C-T.
Other names: short protein forms G420S.
Identifiers: ClinVar variation 5022262 (VCV005022262.1).
Genomic context (GRCh38, chr10:47,325,752, plus strand): 5'-CCCATCTCCGTCCTCTACAAGGATGACATGGGGGTGCCCACCCTCAAGTACCATTACGAG[G>A]GCATGAGCGTGGCAGAGTGTGGGTGCAGGTAGTATCTGCCTGCGGGGCTGGGGAGGCAGG-3'
Protein context (NP_057288.1, residues 410-429): GVPTLKYHYE[Gly420Ser]MSVAECGCR

ClinVar aggregate classification (germline): Uncertain significance (1 of 4 stars; one submission).

Conditions:
Cardiovascular phenotype. Identifiers: MedGen CN230736.

gnomAD v4.1: 8 of 1,558,592 alleles (0.00051%); highest among the groups gnomAD compares: Non-Finnish European, 0.00061%; no homozygotes.

Submission:

Ambry Genetics
Classification: Uncertain significance for Cardiovascular phenotype. Last evaluated: 2026-08-08. Review status: criteria provided, single submitter. Criteria: Ambry Variant Classification Scheme 2023. Collection method: clinical testing. Allele origin: germline.
Comment: The p.G420S variant (also known as c.1258G>A), located in coding exon 2 of the GDF2 gene, results from a G to A substitution at nucleotide position 1258. The glycine at codon 420 is replaced by serine, an amino acid with similar properties. This amino acid position is conserved. Based on the available evidence, the clinical significance of this variant remains unclear.